The following is an entry in ClinVar:

ClinVar aggregate classification (germline): Pathogenic (1 of 4 stars; one submission).

Conditions:
Propionic acidemia (PROP). Also called: GLYCINEMIA, KETOTIC; HYPERGLYCINEMIA WITH KETOACIDOSIS AND LEUKOPENIA; KETOTIC HYPERGLYCINEMIA. Identifiers: Orphanet 35, MedGen C0268579, MONDO:0011628, OMIM 606054, HP:0003571.

Submission:

Labcorp Genetics (formerly Invitae), Labcorp
Classification: Pathogenic for Propionic acidemia. Last evaluated: 2024-01-15. Review status: criteria provided, single submitter. Criteria: Invitae Variant Classification Sherloc (09022015). Collection method: clinical testing. Allele origin: unknown.
Comment: This variant is a gross deletion of the genomic region encompassing exon(s) 9-19 of the PCCA gene. This deletion is out-of-frame, and is expected to create a premature termination codon and result in an absent or disrupted protein product. Loss-of-function variants in PCCA are known to be pathogenic (PMID: 15464417). This variant has not been reported in the literature in individuals affected with PCCA-related conditions. For these reasons, this variant has been classified as Pathogenic.

Literature cited by the submitters: PubMed 15464417.

NC_000013.10:g.(?_100909829)_(101020848_?)del

Gene: PCCA (propionyl-CoA carboxylase subunit alpha; plus strand). Cytogenetic location: 13q32.3.
Variant type: Deletion.
Identifiers: ClinVar variation 3244154 (VCV003244154.1).